The following is an entry in ClinVar:

NM_016247.4(IMPG2):c.962C>T (p.Thr321Ile)

Gene: IMPG2 (interphotoreceptor matrix proteoglycan 2; minus strand). Cytogenetic location: 3q12.3.
Variant type: single nucleotide variant.
Coding change: c.962C>T on transcript NM_016247.4 (MANE Select); coding-DNA position 962, C replaced by T.
Protein change: p.Thr321Ile; replaces threonine 321 with isoleucine.
Molecular consequence: missense variant.
Genome position (GRCh38, 1-based): chr3:101,257,720, G>A on the plus strand (C>T on the coding strand, the complement: IMPG2 is on the minus strand). VCF-style: chr3-101257720-G-A. GRCh37 (hg19) VCF-style: chr3-100976564-G-A.
Other names: short protein forms T321I.
Identifiers: ClinVar variation 2654009 (VCV002654009.24), dbSNP rs1559646941, ClinGen allele CA353866212.
Genomic context (GRCh38, chr3:101,257,720, plus strand): 5'-AGTTCCACAAGGCCATGGTTTTCCACCTTGTTGGAGTGAAGGCTAATGAGGTCCCAGGTG[G>A]TATTGCTGATGGCCTCACCATTGAAGGTAACTGCATAGTAAACATCTACGCCACTATGGA-3'
Protein context (NP_057331.2, residues 311-331): VTFNGEAISN[Thr321Ile]TWDLISLHSN

ClinVar aggregate classification (germline): Uncertain significance (1 of 4 stars; one submission).

Allele frequency attached by ClinVar (database versions not stated): gnomAD exomes below 0.00001; TOPMed below 0.00001.
gnomAD v4.1: 2 of 1,613,244 alleles (0.00012%); highest among the groups gnomAD compares: Middle Eastern, 0.017%; no homozygotes.

Submission:

CeGaT Center for Human Genetics Tuebingen
Classification: Uncertain significance. Last evaluated: 2023-09-01. Review status: criteria provided, single submitter. Criteria: CeGaT Center For Human Genetics Tuebingen Variant Classification Criteria Version 2. Collection method: clinical testing. Allele origin: germline. Affected: yes. Observed: 1 variant allele.
Comment: IMPG2: PM2, BP5